The following is an entry in ClinVar:

ClinVar aggregate classification (germline): Likely benign. Review status: criteria provided, multiple submitters, no conflicts (2 of 4 stars). 4 submissions from 4 submitters: Likely benign (4). Last evaluated 2025-10-01.

Conditions:
Inborn genetic diseases. Identifiers: MedGen C0950123, MeSH D030342.
Developmental and epileptic encephalopathy, 31A. Also called: Epileptic encephalopathy, early infantile, 31; Developmental and epileptic encephalopathy, 31. Identifiers: Orphanet 2382, MedGen C4225357, MONDO:0014598, OMIM 616346.

Allele frequency attached by ClinVar (database versions not stated): gnomAD 0.00002 and 0.00003; ExAC 0.00003; TOPMed 0.00003; gnomAD exomes 0.00004 and 0.00006.
gnomAD v4.1: 88 of 1,614,028 alleles (0.0055%); highest among the groups gnomAD compares: South Asian, 0.023%; no homozygotes.

Submissions (4):

CeGaT Center for Human Genetics Tuebingen
Classification: Likely benign. Last evaluated: 2025-10-01. Review status: criteria provided, single submitter. Criteria: CeGaT Center For Human Genetics Tuebingen Variant Classification Criteria Version 2. Collection method: clinical testing. Allele origin: germline. Affected: yes. Observed: 1 variant allele.
Comment: DNM1: BP4, BP7

Labcorp Genetics (formerly Invitae), Labcorp
Classification: Likely benign for Developmental and epileptic encephalopathy, 31A. Last evaluated: 2024-10-16. Review status: criteria provided, single submitter. Criteria: Invitae Variant Classification Sherloc (09022015). Collection method: clinical testing. Allele origin: germline.

Revvity Omics, Revvity
Classification: Likely benign. Last evaluated: 2023-12-19. Review status: criteria provided, single submitter. Criteria: ACMG Guidelines, 2015. Collection method: clinical testing. Allele origin: germline.

Ambry Genetics
Classification: Likely benign for Inborn genetic diseases. Last evaluated: 2016-09-07. Review status: criteria provided, single submitter. Criteria: Ambry Variant Classification Scheme 2023. Collection method: clinical testing. Allele origin: germline.

NM_004408.4(DNM1):c.702G>A (p.Val234=)

Gene: DNM1 (dynamin 1; plus strand). Cytogenetic location: 9q34.11.
Variant type: single nucleotide variant.
Coding change: c.702G>A on transcript NM_004408.4 (MANE Select); coding-DNA position 702, G replaced by A.
Protein change: p.Val234=; no amino-acid change (valine 234 retained).
Molecular consequence: synonymous variant.
Genome position (GRCh38, 1-based): chr9:128,220,194, G>A. VCF-style: chr9-128220194-G-A. GRCh37 (hg19) VCF-style: chr9-130982473-G-A.
Other names: c.702G>A, p.Val234= (NM_001005336.3, NM_001288737.2, NM_001288738.2 and 1 more transcripts).
Identifiers: ClinVar variation 589912 (VCV000589912.22), dbSNP rs754094661, ClinGen allele CA5257873.